The following is an entry in ClinVar:

ClinVar aggregate classification (germline): Pathogenic (1 of 4 stars; one submission).

Conditions:
Trichorhinophalangeal dysplasia type I (TRPS1). Also called: TRICHORHINOPHALANGEAL SYNDROME, TYPE I; TRPS I. Identifiers: Orphanet 77258, MedGen C0432233, MONDO:0008596, OMIM 190350.
Trichorhinophalangeal syndrome, type III (TRPS3). Also called: SUGIO-KAJII SYNDROME. Identifiers: Orphanet 77258, MedGen C1860823, OMIM 190351, MONDO:0008597.

Submission:

Labcorp Genetics (formerly Invitae), Labcorp
Classification: Pathogenic for Trichorhinophalangeal syndrome, type III; Trichorhinophalangeal dysplasia type I. Last evaluated: 2023-08-27. Review status: criteria provided, single submitter. Criteria: Invitae Variant Classification Sherloc (09022015). Collection method: clinical testing. Allele origin: germline.
Comment: This variant is not present in population databases (gnomAD no frequency). For these reasons, this variant has been classified as Pathogenic. This variant disrupts a region of the TRPS1 protein in which other variant(s) (p.Cys1233Tyr) have been determined to be pathogenic (PMID: 31884116; Invitae). This suggests that this is a clinically significant region of the protein, and that variants that disrupt it are likely to be disease-causing. This variant has not been reported in the literature in individuals affected with TRPS1-related conditions. This sequence change creates a premature translational stop signal (p.Tyr936*) in the TRPS1 gene. While this is not anticipated to result in nonsense mediated decay, it is expected to disrupt the last 359 amino acid(s) of the TRPS1 protein.

Literature cited by the submitters: PubMed 31884116.

NM_014112.5(TRPS1):c.2808C>G (p.Tyr936Ter)

Gene: TRPS1 (transcriptional repressor GATA binding 1; minus strand). Cytogenetic location: 8q23.3.
Variant type: single nucleotide variant.
Coding change: c.2808C>G on transcript NM_014112.5 (MANE Select); coding-DNA position 2808, C replaced by G.
Protein change: p.Tyr936Ter; replaces tyrosine 936 with a stop codon.
Molecular consequence: nonsense.
Genome position (GRCh38, 1-based): chr8:115,418,345, G>C on the plus strand (C>G on the coding strand, the complement: TRPS1 is on the minus strand). VCF-style: chr8-115418345-G-C. GRCh37 (hg19) VCF-style: chr8-116430573-G-C.
Other names: c.2781C>G, p.Tyr927Ter (NM_001282902.3); c.2787C>G, p.Tyr929Ter (NM_001282903.3); c.2769C>G, p.Tyr923Ter (NM_001330599.2); short protein forms Y923*, Y927*, Y936*, Y929*.
Identifiers: ClinVar variation 2947034 (VCV002947034.3), dbSNP rs1330942177, ClinGen allele CA372064198.